The following is an entry in ClinVar:

ClinVar aggregate classification (germline): Uncertain significance (1 of 4 stars; one submission).

Conditions:
MHC class I deficiency. Identifiers: Orphanet 34592, MedGen C6024714, MONDO:0011476.

Allele frequency attached by ClinVar (database versions not stated): TOPMed below 0.00001.

Submission:

Labcorp Genetics (formerly Invitae), Labcorp
Classification: Uncertain significance for MHC class I deficiency 1. Last evaluated: 2021-05-04. Review status: criteria provided, single submitter. Criteria: Invitae Variant Classification Sherloc (09022015). Collection method: clinical testing. Allele origin: germline.
Comment: Algorithms developed to predict the effect of missense changes on protein structure and function (SIFT, PolyPhen-2, Align-GVGD) all suggest that this variant is likely to be tolerated, but these predictions have not been confirmed by published functional studies and their clinical significance is uncertain. This variant has not been reported in the literature in individuals with TAP1-related conditions. The frequency data for this variant in the population databases is considered unreliable, as metrics indicate insufficient coverage at this position in the ExAC database. This sequence change replaces glycine with cysteine at codon 35 of the TAP1 protein (p.Gly35Cys). The glycine residue is weakly conserved and there is a large physicochemical difference between glycine and cysteine. In summary, the available evidence is currently insufficient to determine the role of this variant in disease. Therefore, it has been classified as a Variant of Uncertain Significance.

NC_000006.12:g.32853714C>A

Gene: TAP1 (transporter 1, ATP binding cassette subfamily B member; minus strand). Cytogenetic location: 6p21.32.
Variant type: single nucleotide variant.
Genome position: GRCh38 VCF-style: chr6-32853714-C-A. GRCh37 (hg19) VCF-style: chr6-32821491-C-A.
Identifiers: ClinVar variation 1351201 (VCV001351201.8), dbSNP rs746658627, ClinGen allele CA363584247.